The following is an entry in ClinVar:

NM_000465.4(BARD1):c.2268G>C (p.Trp756Cys)

Gene: BARD1 (BRCA1 associated RING domain 1; minus strand). Cytogenetic location: 2q35.
Variant type: single nucleotide variant.
Coding change: c.2268G>C on transcript NM_000465.4 (MANE Select); coding-DNA position 2268, G replaced by C.
Protein change: p.Trp756Cys; replaces tryptophan 756 with cysteine.
Molecular consequence: missense variant. On other transcripts: non-coding transcript variant (3).
Genome position (GRCh38, 1-based): chr2:214,728,742, C>G on the plus strand (G>C on the coding strand, the complement: BARD1 is on the minus strand). VCF-style: chr2-214728742-C-G. GRCh37 (hg19) VCF-style: chr2-215593466-C-G.
Other names: c.2211G>C, p.Trp737Cys (NM_001282543.2); c.915G>C, p.Trp305Cys (NM_001282545.2); c.858G>C, p.Trp286Cys (NM_001282548.2); c.729G>C, p.Trp243Cys (NM_001282549.2); short protein forms W286C, W756C, W305C, W243C, W737C.
Identifiers: ClinVar variation 820985 (VCV000820985.20), dbSNP rs786202118, ClinGen allele CA350449956.
Genomic context (GRCh38, chr2:214,728,742, plus strand): 5'-GTCAAGAGGAAGCAACTCAAAGGACATCACACAGTCTATAAACCAGCTCGAAGGAGCCTT[C>G]CAGACTTTGCCCTGCCGAACCCTCTCTGGGTGATAATTACACAAATCTTCATAGATGATA-3'
Protein context (NP_000456.2, residues 746-766): HPERVRQGKV[Trp756Cys]KAPSSWFIDC

ClinVar aggregate classification (germline): Uncertain significance. Review status: criteria provided, multiple submitters, no conflicts (2 of 4 stars). 3 submissions from 3 submitters: Uncertain significance (3). Last evaluated 2025-03-30.

Conditions:
Familial cancer of breast. Also called: BREAST CANCER, FAMILIAL; Hereditary breast cancer; hereditary breast carcinoma. Identifiers: Orphanet 227535, MedGen C0346153, MONDO:0016419, OMIM 114480. Disease mechanism: loss of function.
Hereditary cancer-predisposing syndrome. Also called: Neoplastic Syndromes, Hereditary; Tumor predisposition; Hereditary Cancer Syndrome; Hereditary neoplastic syndrome. Identifiers: Orphanet 140162, MedGen C0027672, MeSH D009386, MONDO:0015356.

Submissions (3):

Ambry Genetics
Classification: Uncertain significance for Hereditary cancer-predisposing syndrome. Last evaluated: 2025-03-30. Review status: criteria provided, single submitter. Criteria: Ambry Variant Classification Scheme 2023. Collection method: clinical testing. Allele origin: germline.
Comment: The p.W756C variant (also known as c.2268G>C), located in coding exon 11 of the BARD1 gene, results from a G to C substitution at nucleotide position 2268. The tryptophan at codon 756 is replaced by cysteine, an amino acid with highly dissimilar properties. This amino acid position is highly conserved in available vertebrate species. In addition, the in silico prediction for this alteration is inconclusive. Since supporting evidence is limited at this time, the clinical significance of this alteration remains unclear.

Color Diagnostics, LLC DBA Color Health
Classification: Uncertain significance for Hereditary cancer-predisposing syndrome. Last evaluated: 2023-04-19. Review status: criteria provided, single submitter. Criteria: ACMG Guidelines, 2015. Collection method: clinical testing. Allele origin: germline.
Comment: This missense variant replaces tryptophan with cysteine at codon 756 of the BARD1 protein. Computational prediction suggests that this variant may not impact protein structure and function (internally defined REVEL score threshold <= 0.5, PMID: 27666373). To our knowledge, functional studies have not been reported for this variant. This variant has not been reported in individuals affected with hereditary cancer in the literature. This variant has not been identified in the general population by the Genome Aggregation Database (gnomAD). The available evidence is insufficient to determine the role of this variant in disease conclusively. Therefore, this variant is classified as a Variant of Uncertain Significance.

Labcorp Genetics (formerly Invitae), Labcorp
Classification: Uncertain significance for Familial cancer of breast. Last evaluated: 2022-01-11. Review status: criteria provided, single submitter. Criteria: Invitae Variant Classification Sherloc (09022015). Collection method: clinical testing. Allele origin: germline.
Comment: This variant has not been reported in the literature in individuals affected with BARD1-related conditions. This variant is not present in population databases (gnomAD no frequency). This sequence change replaces tryptophan, which is neutral and slightly polar, with cysteine, which is neutral and slightly polar, at codon 756 of the BARD1 protein (p.Trp756Cys). ClinVar contains an entry for this variant (Variation ID: 820985). Algorithms developed to predict the effect of missense changes on protein structure and function (SIFT, PolyPhen-2, Align-GVGD) all suggest that this variant is likely to be disruptive. In summary, the available evidence is currently insufficient to determine the role of this variant in disease. Therefore, it has been classified as a Variant of Uncertain Significance.